The following is an entry in ClinVar:

NM_000051.4(ATM):c.8602C>G (p.Leu2868Val)

Genes: ATM (ATM serine/threonine kinase; plus strand), C11orf65 (chromosome 11 open reading frame 65; minus strand). Cytogenetic location: 11q22.3.
Variant type: single nucleotide variant.
Coding change: c.8602C>G on transcript NM_000051.4 (MANE Select); coding-DNA position 8602, C replaced by G.
Protein change: p.Leu2868Val; replaces leucine 2868 with valine.
Molecular consequence: missense variant. On other transcripts: intron variant (2).
Genome position (GRCh38, 1-based): chr11:108,347,296, C>G. VCF-style: chr11-108347296-C-G. GRCh37 (hg19) VCF-style: chr11-108218023-C-G.
Other names: c.8602C>G, p.Leu2868Val (NM_001351834.2); c.641-38225G>C (NM_001330368.2); c.695-12004G>C (NM_001351110.2); short protein forms L2868V.
Identifiers: ClinVar variation 582656 (VCV000582656.12), dbSNP rs587780642, ClinGen allele CA382520471.
Genomic context (GRCh38, chr11:108,347,296, plus strand): 5'-ATGGAATCAGTGATTTCAGATTGTTTGTTTCTTTTTTCTCCAGTTGGTTACATACTTGGA[C>G]TTGGTGATAGACATGTACAGAATATCTTGATAAATGAGCAGTCAGCAGAACTTGTACATA-3'
Protein context (NP_000042.3, residues 2858-2878): TSSIVGYILG[Leu2868Val]GDRHVQNILI

ClinVar aggregate classification (germline): Uncertain significance. Review status: criteria provided, multiple submitters, no conflicts (2 of 4 stars). 2 submissions from 2 submitters: Uncertain significance (2). Last evaluated 2023-08-26.

Conditions:
Hereditary cancer-predisposing syndrome. Also called: Hereditary Cancer Syndrome; Neoplastic Syndromes, Hereditary; Tumor predisposition; Hereditary neoplastic syndrome. Identifiers: Orphanet 140162, MedGen C0027672, MeSH D009386, MONDO:0015356.
Ataxia-telangiectasia syndrome (AT). Also called: Cerebello-oculocutaneous telangiectasia; Immunodeficiency with ataxia telangiectasia; Ataxia-telangiectasia, complementation group E; Ataxia-telangiectasia, complementation group D; AT, COMPLEMENTATION GROUP C; ATAXIA-TELANGIECTASIA, COMPLEMENTATION GROUP A. Identifiers: Orphanet 100, MedGen C0004135, MONDO:0008840, OMIM 208900.

Submissions (2):

Ambry Genetics
Classification: Uncertain significance for Hereditary cancer-predisposing syndrome. Last evaluated: 2023-08-26. Review status: criteria provided, single submitter. Criteria: Ambry Variant Classification Scheme 2023. Collection method: clinical testing. Allele origin: germline.
Comment: The p.L2868V variant (also known as c.8602C>G), located in coding exon 58 of the ATM gene, results from a C to G substitution at nucleotide position 8602. The leucine at codon 2868 is replaced by valine, an amino acid with highly similar properties. This amino acid position is conserved. In addition, this alteration is predicted to be deleterious by in silico analysis. Since supporting evidence is limited at this time, the clinical significance of this alteration remains unclear.

Labcorp Genetics (formerly Invitae), Labcorp
Classification: Uncertain significance for Ataxia-telangiectasia syndrome. Last evaluated: 2019-10-28. Review status: criteria provided, single submitter. Criteria: Invitae Variant Classification Sherloc (09022015). Collection method: clinical testing. Allele origin: germline.
Comment: Algorithms developed to predict the effect of missense changes on protein structure and function (SIFT, PolyPhen-2, Align-GVGD) all suggest that this variant is likely to be disruptive, but these predictions have not been confirmed by published functional studies and their clinical significance is uncertain. This sequence change replaces leucine with valine at codon 2868 of the ATM protein (p.Leu2868Val). The leucine residue is highly conserved and there is a small physicochemical difference between leucine and valine. This variant is not present in population databases (ExAC no frequency). This variant has not been reported in the literature in individuals with ATM-related disease. In summary, the available evidence is currently insufficient to determine the role of this variant in disease. Therefore, it has been classified as a Variant of Uncertain Significance.